The following is an entry in ClinVar:

NM_005050.4(ABCD4):c.1705C>T (p.Leu569=)

Gene: ABCD4 (ATP binding cassette subfamily D member 4; minus strand). Cytogenetic location: 14q24.3.
Variant type: single nucleotide variant.
Coding change: c.1705C>T on transcript NM_005050.4 (MANE Select); coding-DNA position 1705, C replaced by T.
Protein change: p.Leu569=; no amino-acid change (leucine 569 retained).
Molecular consequence: synonymous variant. On other transcripts: 3 prime UTR variant (1), non-coding transcript variant (10).
Genome position (GRCh38, 1-based): chr14:74,286,748, G>A on the plus strand (C>T on the coding strand, the complement: ABCD4 is on the minus strand). VCF-style: chr14-74286748-G-A. GRCh37 (hg19) VCF-style: chr14-74753451-G-A.
Other names: c.1579C>T, p.Leu527= (NM_001353591.2, NM_001353592.2); c.1444C>T, p.Leu482= (NM_001353593.2); c.1393C>T, p.Leu465= (NM_001353594.2); c.1291C>T, p.Leu431= (NM_001353595.2, NM_001353596.2); c.1240C>T, p.Leu414= (NM_001353597.2); c.1228C>T, p.Leu410= (NM_001353598.2, NM_001353599.2, NM_001353600.2 and 2 more transcripts); c.916C>T, p.Leu306= (NM_001353602.2, NM_001353603.2, NM_001353604.2 and 5 more transcripts); c.*42C>T (NM_001353610.2); and 1 more.
Identifiers: ClinVar variation 384578 (VCV000384578.1), dbSNP rs1057521999, ClinGen allele CA16607007.
Genomic context (GRCh38, chr14:74,286,748, plus strand): 5'-TGAGCACGGGTACCTTCTCAAGGCTCTGCCGATGTCCCACACTGATGAACGTCATCCCCA[G>A]CTGCTGGCCGATGCGATAGAGCTCGCTCTCCACTTCCTCTGTCAGGGCACTGGTGGCTTC-3'
Protein context (NP_005041.1, residues 559-579): ESELYRIGQQ[Leu569=]GMTFISVGHR

ClinVar aggregate classification (germline): Likely benign (1 of 4 stars; one submission).

Allele frequency attached by ClinVar (database versions not stated): TOPMed below 0.00001; gnomAD 0.00001; gnomAD exomes 0.00001.
gnomAD v4.1: 16 of 1,614,004 alleles (0.00099%); highest among the groups gnomAD compares: African/African-American, 0.0013%; no homozygotes.

Submission:

GeneDx
Classification: Likely benign. Last evaluated: 2016-03-25. Review status: criteria provided, single submitter. Criteria: GeneDx Variant Classification (06012015). Collection method: clinical testing. Allele origin: germline. Affected: yes.
Comment: This variant is considered likely benign or benign based on one or more of the following criteria: it is a conservative change, it occurs at a poorly conserved position in the protein, it is predicted to be benign by multiple in silico algorithms, and/or has population frequency not consistent with disease.